The following is an entry in ClinVar:

NM_198999.3(SLC26A5):c.2177C>T (p.Ala726Val)

Gene: SLC26A5 (solute carrier family 26 member 5; minus strand). Cytogenetic location: 7q22.1.
Variant type: single nucleotide variant.
Coding change: c.2177C>T on transcript NM_198999.3 (MANE Select); coding-DNA position 2177, C replaced by T.
Protein change: p.Ala726Val; replaces alanine 726 with valine.
Molecular consequence: missense variant. On other transcripts: non-coding transcript variant (4), intron variant (4).
Genome position (GRCh38, 1-based): chr7:103,374,457, G>A on the plus strand (C>T on the coding strand, the complement: SLC26A5 is on the minus strand). VCF-style: chr7-103374457-G-A. GRCh37 (hg19) VCF-style: chr7-103014904-G-A.
Other names: p.Ala726Val; c.2081C>T, p.Ala694Val (NM_001167962.2); c.972-21531C>T (NM_206885.3); c.1945+2351C>T (NM_001321787.2); c.1514+14551C>T (NM_206884.3); c.2041+2351C>T (NM_206883.3); short protein forms A726V, A694V.
Identifiers: ClinVar variation 1300471 (VCV001300471.14), dbSNP rs150726851, ClinGen allele CA4419261.

ClinVar aggregate classification (germline): Conflicting classifications of pathogenicity. Review status: criteria provided, conflicting classifications (1 of 4 stars). 4 submissions from 4 submitters: Uncertain significance (3); Likely benign (1). Last evaluated 2026-09-25.

Conditions:
Inborn genetic diseases. Identifiers: MedGen C0950123, MeSH D030342.

Allele frequency attached by ClinVar (database versions not stated): ExAC 0.00016; gnomAD exomes 0.00019; gnomAD 0.00040 and 0.00044; TOPMed 0.00037; ESP Exome Variant Server 0.00038.
gnomAD v4.1: 1,363 of 1,613,028 alleles (0.084%); highest among the groups gnomAD compares: Non-Finnish European, 0.11%; 5 homozygotes.

Submissions (4):

GeneDx
Classification: Uncertain significance. Last evaluated: 2026-09-25. Review status: criteria provided, single submitter. Criteria: GeneDx Variant Classification Process June 2021. Collection method: clinical testing. Allele origin: germline.
Comment: In silico analysis suggests that this missense variant does not alter protein structure/function; Has not been previously published as pathogenic or benign to our knowledge; Variants in candidate genes are classified as variants of uncertain significance in accordance with ACMG guidelines (PMID: 25741868)

Labcorp Genetics (formerly Invitae), Labcorp
Classification: Likely benign. Last evaluated: 2026-01-09. Review status: criteria provided, single submitter. Criteria: Invitae Variant Classification Sherloc (09022015). Collection method: clinical testing. Allele origin: germline.

Mayo Clinic Laboratories, Mayo Clinic
Classification: Uncertain significance. Last evaluated: 2025-02-06. Review status: criteria provided, single submitter. Criteria: ACMG Guidelines, 2015. Collection method: clinical testing. Allele origin: germline. Observed: 1 variant allele.
Comment: PM2_supporting

Ambry Genetics
Classification: Uncertain significance for Inborn genetic diseases. Last evaluated: 2021-08-17. Review status: criteria provided, single submitter. Criteria: Ambry Variant Classification Scheme 2023. Collection method: clinical testing. Allele origin: germline.